The following is an entry in ClinVar:

NM_001039876.3(SYNE4):c.1081TTCCTCCTC[1] (p.361FLL[1])

Gene: SYNE4 (spectrin repeat containing nuclear envelope family member 4; minus strand). Cytogenetic location: 19q13.12.
Variant type: Microsatellite.
Coding change: c.1081TTCCTCCTC[1] on transcript NM_001039876.3 (MANE Select); one copy of the 9-base unit TTCCTCCTC starting at c.1081; the reference has two copies in a row; one copy, 9 bases deleted.
Protein change: p.361FLL[1].
Molecular consequence: inframe deletion.
Genome position (GRCh38, 1-based): chr19:36,003,454-36,003,462, GAGGAGGAA deleted on the plus strand (TTCCTCCTC on the coding strand, the reverse complement: SYNE4 is on the minus strand); deleting any 9 consecutive bases within chr19:36,003,454-36,003,476 gives the same sequence; the position shown is the placement nearest the transcript's 3' end. VCF-style (leftmost placement, unchanged base first): chr19-36003453-GGAGGAGGAA-G. GRCh37 (hg19) VCF-style: chr19-36494355-GGAGGAGGAA-G.
Other names: c.742TTCCTCCTC[1], p.248FLL[1] (NM_001297735.3).
Identifiers: ClinVar variation 1363752 (VCV001363752.6), dbSNP rs753123933, ClinGen allele CA9393750.

ClinVar aggregate classification (germline): Uncertain significance. Review status: criteria provided, multiple submitters, no conflicts (2 of 4 stars). 3 submissions from 3 submitters: Uncertain significance (3). Last evaluated 2026-04-01.

Submissions (3):

GeneDx
Classification: Uncertain significance. Last evaluated: 2026-04-01. Review status: criteria provided, single submitter. Criteria: GeneDx Variant Classification Process June 2021. Collection method: clinical testing. Allele origin: germline.
Comment: In-frame deletion of 3 amino acid(s) in a non-repeat region; In silico analysis supports a deleterious effect on protein structure/function; Has not been previously published as pathogenic or benign to our knowledge

Blueprint Genetics
Classification: Uncertain significance. Last evaluated: 2024-07-11. Review status: criteria provided, single submitter. Criteria: ACMG Guidelines, 2015. Collection method: clinical testing. Allele origin: germline.

Labcorp Genetics (formerly Invitae), Labcorp
Classification: Uncertain significance. Last evaluated: 2021-10-07. Review status: criteria provided, single submitter. Criteria: Invitae Variant Classification Sherloc (09022015). Collection method: clinical testing. Allele origin: germline.
Comment: This variant, c.1090_1098del, results in the deletion of 3 amino acid(s) of the SYNE4 protein (p.Phe364_Leu366del), but otherwise preserves the integrity of the reading frame. This variant is present in population databases (rs779182461, ExAC 0.05%). This variant has not been reported in the literature in individuals affected with SYNE4-related conditions. Experimental studies and prediction algorithms are not available or were not evaluated, and the functional significance of this variant is currently unknown. In summary, the available evidence is currently insufficient to determine the role of this variant in disease. Therefore, it has been classified as a Variant of Uncertain Significance.